The following is an entry in ClinVar:

ClinVar aggregate classification (germline): Pathogenic (1 of 4 stars; one submission).

Conditions:
Early-infantile DEE. Also called: Ohtahara syndrome; Early infantile epileptic encephalopathy; Early infantile epileptic encephalopathy with suppression bursts. Identifiers: Orphanet 1934, MedGen C0393706, MONDO:0800491.

Submission:

Labcorp Genetics (formerly Invitae), Labcorp
Classification: Pathogenic for Early-infantile DEE. Last evaluated: 2024-07-03. Review status: criteria provided, single submitter. Criteria: Invitae Variant Classification Sherloc (09022015). Collection method: clinical testing. Allele origin: germline.
Comment: This sequence change inserts a large fragment of DNA, likely a transposable element, in exon 4 of the SCN1A gene (c.530_531ins?), causing a frameshift at codon 177 (p.Gly177fs). The exact size and sequence of the insertion cannot be determined by the current assay. However, the insertion is expected to result in an absent or disrupted protein product. This variant is not present in population databases (gnomAD no frequency). This variant has not been reported in the literature in individuals affected with SCN1A-related conditions. Retrotransposon insertions including LINE1 (L1), Alu, and SVA (SINE-VNTR-Alu) have been reported to be disease-causing through disruption of either a coding region or splice site (PMID: 19763152, 20307669, 22406018) and loss-of-function variants in SCN1A are known to be pathogenic (PMID: 17347258, 18930999). For these reasons, this variant has been classified as Pathogenic.

Literature cited by the submitters: PubMed 19763152; PubMed 20307669; PubMed 22406018; PubMed 17347258; PubMed 18930999.

NM_001165963.4(SCN1A):c.530_531insTGAGCCGAGATTGCGCCACTGCAGTCCGCAGTCCGGCCTGGGCGACAGAGCGAGACTCCGTCNNNNNNNNNNAAAAAAAAAAAAAAATTATTGCAAGGGG (p.Phe178fs)

Gene: SCN1A (sodium voltage-gated channel alpha subunit 1; minus strand). Cytogenetic location: 2q24.3.
Variant type: Microsatellite.
Coding change: c.530_531insTGAGCCGAGATTGCGCCACTGCAGTCCGCAGTCCGGCCTGGGCGACAGAGCGAGACTCCGTCNNNNNNNNNNAAAAAAAAAAAAAAATTATTGCAAGGGG on transcript NM_001165963.4 (MANE Select); coding-DNA positions 530 to 531, TGAGCCGAGATTGCGCCACTGCAGTCCGCAGTCCGGCCTGGGCGACAGAGCGAGACTCCGTCNNNNNNNNNNAAAAAAAAAAAAAAATTATTGCAAGGGG inserted.
Protein change: p.Phe178fs; shifts the reading frame from phenylalanine 178.
Molecular consequence: frameshift variant. On other transcripts: 5 prime UTR variant (1), non-coding transcript variant (1).
Genome position: GRCh38: chr2:166,054,710-166,054,727. GRCh37 (hg19), VCF-style position (the base before the change): chr2:166,911,219.
Other names: c.530_531insTGAGCCGAGATTGCGCCACTGCAGTCCGCAGTCCGGCCTGGGCGACAGAGCGAGACTCCGTCNNNNNNNNNNAAAAAAAAAAAAAAATTATTGCAAGGGG, p.Phe178fs (NM_001165964.3, NM_001202435.3, NM_001353948.2 and 10 more transcripts); c.-1913_-1896A[5]TTATTGCAAGGGGTGAGCCGAGATTGCGCCACTGCAGTCCGCAGTCCGGCCTGGGCGACAGAGCGAGACTCCGTCNNNNNNNNNNAAAAAAAAAAAAAAATTATTGCAAGGGG[1] (NM_001353961.2); short protein forms F178fs.
Identifiers: ClinVar variation 3658682 (VCV003658682.2).